The following is an entry in ClinVar:

NC_000003.12:g.169765041A>C

Genes: TERC (telomerase RNA component; minus strand), LOC110806306 (telomerase RNA component (TERC) promoter; plus strand). Cytogenetic location: 3q26.2.
Variant type: single nucleotide variant.
Genome position: GRCh38 VCF-style: chr3-169765041-A-C. GRCh37 (hg19) VCF-style: chr3-169482829-A-C.
Identifiers: ClinVar variation 2188564 (VCV002188564.4), dbSNP rs1060502987, ClinGen allele CA436716031.

ClinVar aggregate classification (germline): Uncertain significance (1 of 4 stars; one submission).

Conditions:
Dyskeratosis congenita, autosomal dominant 1 (DKCA1). Also called: Dyskeratosis congenita Scoggins type. Identifiers: Orphanet 1775, MedGen C4551974, MONDO:0007485, OMIM 127550. Inheritance: Variable.

Submission:

Labcorp Genetics (formerly Invitae), Labcorp
Classification: Uncertain significance for Dyskeratosis congenita, autosomal dominant 1. Last evaluated: 2022-09-07. Review status: criteria provided, single submitter. Criteria: Invitae Variant Classification Sherloc (09022015). Collection method: clinical testing. Allele origin: germline.
Comment: This variant is located at the 5’ end of the TERC RNA component (PMID: 15082312, 21844345). The functional significance of this region is not well understood. In summary, the available evidence is currently insufficient to determine the role of this variant in disease. Therefore, it has been classified as a Variant of Uncertain Significance. This variant has not been reported in the literature in individuals affected with TERC-related conditions. This variant is not present in population databases (gnomAD no frequency). This variant occurs in the TERC gene, which encodes an RNA molecule that does not result in a protein product.

Literature cited by the submitters: PubMed 15082312; PubMed 21844345.